The following is an entry in ClinVar:

NC_012920.1(MT-CYB):m.15386C>T

Gene: MT-CYB (mitochondrially encoded cytochrome b; plus strand).
Variant type: single nucleotide variant.
Genome position: chrM-15386-C-T.
Identifiers: ClinVar variation 693876 (VCV000693876.1), dbSNP rs1556424581, ClinGen allele CA913173727.
Genomic context (GRCh38, chrMT:15,386, plus strand): 5'-ACACTCCACCTCCTATTCTTGCACGAAACGGGATCAAACAACCCCCTAGGAATCACCTCC[C>T]ATTCCGATAAAATCACCTTCCACCCTTACTACACAATCAAAGACGCCCTCGGCTTACTTC-3'

ClinVar aggregate classification (germline): Benign (1 of 4 stars; one submission).

Conditions:
Leigh syndrome (NULS). Also called: Leigh's necrotizing encephalopathy; Leigh's disease; Leigh's syndrome; LEIGH SYNDROME, NUCLEAR; Leigh Syndrome (mtDNA deletion); Leigh Disease. Identifiers: Orphanet 506, MedGen C2931891, MONDO:0009723, OMIM 256000.

Submission:

Wong Mito Lab, Molecular and Human Genetics, Baylor College of Medicine
Classification: Benign for Leigh syndrome. Last evaluated: 2019-10-17. Review status: criteria provided, single submitter. Criteria: Modified ACMG Guidelines (Unpublished). Collection method: clinical testing. Allele origin: germline.
Comment: The NC_012920.1:m.15386C>T (YP_003024038.1:p.His214Tyr) variant in MTCYB gene is interpretated to be a Benign variant based on the modified ACMG guidelines (unpublished). This variant meets the following evidence codes: BS1, BS4, BP4